The following is an entry in ClinVar:

ClinVar aggregate classification (germline): Uncertain significance. Review status: criteria provided, multiple submitters, no conflicts (2 of 4 stars). 2 submissions from 2 submitters: Uncertain significance (2). Last evaluated 2025-12-03.

Conditions:
Lymphoproliferative syndrome 1 (LPFS1). Identifiers: Orphanet 238505, Orphanet 538963, MedGen C3552634, MONDO:0013081, OMIM 613011.
Inborn genetic diseases. Identifiers: MedGen C0950123, MeSH D030342.

Submissions (2):

Labcorp Genetics (formerly Invitae), Labcorp
Classification: Uncertain significance for Lymphoproliferative syndrome 1. Last evaluated: 2025-12-03. Review status: criteria provided, single submitter. Criteria: Invitae Variant Classification Sherloc (09022015). Collection method: clinical testing. Allele origin: germline.
Comment: This sequence change replaces alanine, which is neutral and non-polar, with threonine, which is neutral and polar, at codon 261 of the ITK protein (p.Ala261Thr). This variant is not present in population databases (gnomAD no frequency). This variant has not been reported in the literature in individuals affected with ITK-related conditions. ClinVar contains an entry for this variant (Variation ID: 2246859). Invitae Evidence Modeling of protein sequence and biophysical properties (such as structural, functional, and spatial information, amino acid conservation, physicochemical variation, residue mobility, and thermodynamic stability) indicates that this missense variant is not expected to disrupt ITK protein function with a negative predictive value of 80%. In summary, the available evidence is currently insufficient to determine the role of this variant in disease. Therefore, it has been classified as a Variant of Uncertain Significance.

Ambry Genetics
Classification: Uncertain significance for Inborn genetic diseases. Last evaluated: 2021-08-23. Review status: criteria provided, single submitter. Criteria: Ambry Variant Classification Scheme 2023. Collection method: clinical testing. Allele origin: germline.

NM_005546.4(ITK):c.781G>A (p.Ala261Thr)

Gene: ITK (IL2 inducible T cell kinase; plus strand). Cytogenetic location: 5q33.3.
Variant type: single nucleotide variant.
Coding change: c.781G>A on transcript NM_005546.4 (MANE Select); coding-DNA position 781, G replaced by A.
Protein change: p.Ala261Thr; replaces alanine 261 with threonine.
Molecular consequence: missense variant.
Genome position (GRCh38, 1-based): chr5:157,238,121, G>A. VCF-style: chr5-157238121-G-A. GRCh37 (hg19) VCF-style: chr5-156665131-G-A.
Other names: short protein forms A261T.
Identifiers: ClinVar variation 2246859 (VCV002246859.3), dbSNP rs2480595359, ClinGen allele CA361957160.